The following continues an entry in ClinVar:

NM_003119.4(SPG7):c.1450-1_1457del

Gene: SPG7. ClinVar aggregate classification (germline): Pathogenic. Pathogenic (30).

Submissions 32 to 40 of 40:

Genetic Services Laboratory, University of Chicago
Classification: Likely pathogenic for Hereditary spastic paraplegia 7. Last evaluated: 2020-12-15. Review status: no assertion criteria provided. Collection method: clinical testing. Allele origin: germline. Affected: yes. Not counted in ClinVar's aggregate classification.
Comment: DNA sequence analysis of the SPG7 gene demonstrated a nine-base pair deletion in exon 11, c.1454_1462del. This in-frame deletion is predicted to result in the deletion of three amino acid residues, p.Arg485_Glu487del. This in-frame deletion has been described in the homozygous and compound heterozygous states in patients with spastic paraplegia 7 or ataxia (PMIDs: 22964162, 23065789, 11222789). It has been described in the gnomAD population database with a global allele frequency of 0.028% and in the Finnish European subgroup with an allele frequency of 0.080% (rs768823392). Collectively this evidence suggests that this p.Arg485_Glu487del variant is likely pathogenic, however functional studies have not been performed to prove this conclusively

Oxford Medical Genetics Laboratories, Oxford University Hospitals NHS Foundation Trust
Classification: Pathogenic for Hereditary spastic paraplegia 7. Last evaluated: 2019-05-03. Review status: no assertion criteria provided. Collection method: clinical testing. Allele origin: maternal. Affected: yes. Not counted in ClinVar's aggregate classification.

Institute of Human Genetics, Cologne University
Classification: Uncertain significance for Distal spinal muscular atrophy. Last evaluated: 2018-04-26. Review status: no assertion criteria provided. Collection method: clinical testing. Allele origin: unknown. Affected: yes. Not counted in ClinVar's aggregate classification.

Clinical Genetics DNA and cytogenetics Diagnostics Lab, Erasmus MC, Erasmus Medical Center
Classification: Pathogenic. Review status: no assertion criteria provided. Collection method: clinical testing. Allele origin: germline. Affected: yes. Study: VKGL Data-share Consensus. Not counted in ClinVar's aggregate classification.

Diagnostic Laboratory, Department of Genetics, University Medical Center Groningen
Classification: Pathogenic. Review status: no assertion criteria provided. Collection method: clinical testing. Allele origin: germline. Affected: yes. Study: VKGL Data-share Consensus. Not counted in ClinVar's aggregate classification.

Dr. Peter K. Rogan Lab, Western University
No classification provided (evidence only). Condition: Melanoma. Review status: no classification provided. Collection method: in vitro. Allele origin: not applicable. Functional consequence: cryptic splice site. Not counted in ClinVar's aggregate classification.

Dr. Peter K. Rogan Lab, Western University
No classification provided (evidence only). Condition: Malignant tumor of esophagus. Review status: no classification provided. Collection method: in vitro. Allele origin: not applicable. Functional consequence: cryptic splice site. Not counted in ClinVar's aggregate classification.

GeneReviews
No classification provided. Condition: Hereditary spastic paraplegia 7. Review status: no classification provided. Collection method: literature only. Allele origin: germline. Not counted in ClinVar's aggregate classification.

Paris Brain Institute, Inserm - ICM
Classification: Pathogenic for Hereditary spastic paraplegia 7. Review status: flagged submission. Criteria: ACMG Guidelines, 2015. Collection method: clinical testing. Allele origin: unknown. Affected: yes. Observed: 1 variant allele. Not counted in ClinVar's aggregate classification.
ClinVar note: Reason: This record appears to be redundant with a more recent record from the same submitter.
ClinVar note: Notes: SCV001451047 appears to be redundant with SCV001451048.

Literature cited by the submitters: PubMed 31692161 (cited by 4 submitters); PubMed 31854126 (cited by Victorian Clinical Genetics Services, Murdoch Childrens Research Institute); PubMed 30533525 (cited by Victorian Clinical Genetics Services, Murdoch Childrens Research Institute and Laboratory for Molecular Medicine, Mass General Brigham Personalized Medicine); PubMed 32548275 (cited by Victorian Clinical Genetics Services, Murdoch Childrens Research Institute); PubMed 11222789 (cited by 6 submitters); PubMed 22964162 (cited by 6 submitters); PubMed 29026558 (cited by 3 submitters); PubMed 29915382 (cited by 3 submitters); PubMed 31433872 (cited by Mayo Clinic Laboratories, Mayo Clinic and Athena Diagnostics); PubMed 34507444 (cited by Mayo Clinic Laboratories, Mayo Clinic); PubMed 34983064 (cited by Mayo Clinic Laboratories, Mayo Clinic); PubMed 23065789 (cited by 3 submitters); PubMed 23269439 (cited by Labcorp Genetics (formerly Invitae), Labcorp and Athena Diagnostics); PubMed 23812641 (cited by Labcorp Genetics (formerly Invitae), Labcorp and Athena Diagnostics); PubMed 24466038 (cited by Labcorp Genetics (formerly Invitae), Labcorp and Athena Diagnostics); PubMed 24727571 (cited by 3 submitters); PubMed 26756429 (cited by Labcorp Genetics (formerly Invitae), Labcorp and Athena Diagnostics); PubMed 27165006 (cited by 3 submitters); PubMed 29246610 (cited by Women's Health and Genetics/Laboratory Corporation of America, LabCorp); PubMed 28832565 (cited by Athena Diagnostics); PubMed 32161564 (cited by Athena Diagnostics); PubMed 18799786 (cited by Athena Diagnostics); PubMed 21623769 (cited by Athena Diagnostics); PubMed 31068484 (cited by Athena Diagnostics); PubMed 31345272 (cited by Athena Diagnostics); PubMed 26260707 (cited by Ambry Genetics); PubMed 27084228 (cited by Ambry Genetics); PubMed 26671083 (cited by Ambry Genetics); PubMed 22554690 (cited by Ambry Genetics); PubMed 27217339 (cited by Ambry Genetics); PubMed 26374131 (cited by Ambry Genetics); PubMed 24731568 (cited by Ambry Genetics); PubMed 27260292 (cited by Ambry Genetics); PubMed 26094131 (cited by Ambry Genetics); PubMed 22571692 (cited by Ambry Genetics); PubMed 26626314 (cited by Ambry Genetics); PubMed 28608987 (cited by Ambry Genetics); PubMed 39825153 (cited by Solve-RD Consortium).